The following is an entry in ClinVar:

ClinVar aggregate classification (germline): Pathogenic/Likely pathogenic. Review status: criteria provided, multiple submitters, no conflicts (2 of 4 stars). 2 submissions from 2 submitters: Pathogenic (1); Likely pathogenic (1). Last evaluated 2022-11-29.

Conditions:
Neurodevelopmental disorder with or without hyperkinetic movements and seizures, autosomal dominant. Also called: Intellectual disability, autosomal dominant 8. Identifiers: MedGen C3280282, MONDO:0013655, OMIM 614254.

Submissions (2):

Labcorp Genetics (formerly Invitae), Labcorp
Classification: Pathogenic for Neurodevelopmental disorder with or without hyperkinetic movements and seizures, autosomal dominant. Last evaluated: 2022-11-29. Review status: criteria provided, single submitter. Criteria: Invitae Variant Classification Sherloc (09022015). Collection method: clinical testing. Allele origin: germline.
Comment: This sequence change replaces arginine, which is basic and polar, with leucine, which is neutral and non-polar, at codon 844 of the GRIN1 protein (p.Arg844Leu). This variant is not present in population databases (gnomAD no frequency). This missense change has been observed in individual(s) with clinical features of GRIN1-related conditions (PMID: 30755392). In at least one individual the variant was observed to be de novo. ClinVar contains an entry for this variant (Variation ID: 598966). Advanced modeling of protein sequence and biophysical properties (such as structural, functional, and spatial information, amino acid conservation, physicochemical variation, residue mobility, and thermodynamic stability) has been performed at Invitae for this missense variant, however the output from this modeling did not meet the statistical confidence thresholds required to predict the impact of this variant on GRIN1 protein function. This variant disrupts the p.Arg844 amino acid residue in GRIN1. Other variant(s) that disrupt this residue have been determined to be pathogenic (PMID: 27159321). This suggests that this residue is clinically significant, and that variants that disrupt this residue are likely to be disease-causing. For these reasons, this variant has been classified as Pathogenic.

Center for Personalized Medicine, Children's Hospital Los Angeles
Classification: Likely pathogenic. Last evaluated: 2018-11-19. Review status: criteria provided, single submitter. Criteria: ACMG Guidelines, 2015. Collection method: clinical testing. Allele origin: germline. Affected: yes.

Literature cited by the submitters: PubMed 30755392 (cited by Labcorp Genetics (formerly Invitae), Labcorp); PubMed 27159321 (cited by Labcorp Genetics (formerly Invitae), Labcorp).

NM_007327.4(GRIN1):c.2531G>T (p.Arg844Leu)

Gene: GRIN1 (glutamate ionotropic receptor NMDA type subunit 1; plus strand). Cytogenetic location: 9q34.3.
Variant type: single nucleotide variant.
Coding change: c.2531G>T on transcript NM_007327.4 (MANE Select); coding-DNA position 2531, G replaced by T.
Protein change: p.Arg844Leu; replaces arginine 844 with leucine.
Molecular consequence: missense variant.
Genome position (GRCh38, 1-based): chr9:137,163,846, G>T. VCF-style: chr9-137163846-G-T. GRCh37 (hg19) VCF-style: chr9-140058298-G-T.
Other names: c.2531G>T, p.Arg844Leu (NM_000832.7, NM_021569.4); c.2594G>T, p.Arg865Leu (NM_001185090.2, NM_001185091.2); short protein forms R844L, R865L.
Identifiers: ClinVar variation 598966 (VCV000598966.15), dbSNP rs1564365418, ClinGen allele CA375726770.